The following is an entry in ClinVar:

NM_015721.3(GEMIN4):c.1336G>A (p.Ala446Thr)

Gene: GEMIN4 (gem nuclear organelle associated protein 4; minus strand). Cytogenetic location: 17p13.3.
Variant type: single nucleotide variant.
Coding change: c.1336G>A on transcript NM_015721.3 (MANE Select); coding-DNA position 1336, G replaced by A.
Protein change: p.Ala446Thr; replaces alanine 446 with threonine.
Molecular consequence: missense variant.
Genome position (GRCh38, 1-based): chr17:746,707, C>T on the plus strand (G>A on the coding strand, the complement: GEMIN4 is on the minus strand). VCF-style: chr17-746707-C-T. GRCh37 (hg19) VCF-style: chr17-649947-C-T.
Other names: c.1336G>A (NM_015721.2); short protein forms A446T.
Identifiers: ClinVar variation 932347 (VCV000932347.43), dbSNP rs143168627, ClinGen allele CA8262658.
Genomic context (GRCh38, chr17:746,707, plus strand): 5'-TGCTGACGTCTATCACTGTTTCCAGCAGCCTCAACACCAAGTCTGGCTGTCGGAAGAGGG[C>T]CCTGTTACTCCCCAGGCAGGCTACCCACTCGTCCGAGAAGGCCCACTTCTTCTCAGAGGC-3'
Protein context (NP_056536.2, residues 436-456): EWVACLGSNR[Ala446Thr]LFRQPDLVLR

ClinVar aggregate classification (germline): Conflicting classifications of pathogenicity. Review status: criteria provided, conflicting classifications (1 of 4 stars). 3 submissions from 3 submitters: Uncertain significance (1); Likely benign (1). 1 of the submissions does not count toward it. Last evaluated 2025-12-01.

Conditions:
GEMIN4-related disorder. Also called: GEMIN4-related condition.

Allele frequency attached by ClinVar (database versions not stated): 1000 Genomes Project 30x 0.00078; ExAC 0.00080; gnomAD exomes 0.00095 and 0.00176; ESP Exome Variant Server 0.00098; 1000 Genomes Project 0.00100; gnomAD 0.00122 and 0.00125; TOPMed 0.00127.
gnomAD v4.1: 2,742 of 1,613,598 alleles (0.17%); highest among the groups gnomAD compares: Non-Finnish European, 0.21%; 4 homozygotes.

Submissions (3):

CeGaT Center for Human Genetics Tuebingen
Classification: Likely benign. Last evaluated: 2025-12-01. Review status: criteria provided, single submitter. Criteria: CeGaT Center For Human Genetics Tuebingen Variant Classification Criteria Version 2. Collection method: clinical testing. Allele origin: germline. Affected: yes. Observed: 5 variant alleles.
Comment: GEMIN4: BP4

Labcorp Genetics (formerly Invitae), Labcorp
Classification: Uncertain significance. Last evaluated: 2022-11-29. Review status: criteria provided, single submitter. Criteria: Invitae Variant Classification Sherloc (09022015). Collection method: clinical testing. Allele origin: germline.
Comment: This variant is present in population databases (rs143168627, gnomAD 0.2%), and has an allele count higher than expected for a pathogenic variant. This variant has not been reported in the literature in individuals affected with GEMIN4-related conditions. ClinVar contains an entry for this variant (Variation ID: 932347). Algorithms developed to predict the effect of missense changes on protein structure and function output the following: SIFT: "Deleterious"; PolyPhen-2: "Benign"; Align-GVGD: "Class C0". The threonine amino acid residue is found in multiple mammalian species, which suggests that this missense change does not adversely affect protein function. In summary, the available evidence is currently insufficient to determine the role of this variant in disease. Therefore, it has been classified as a Variant of Uncertain Significance. This sequence change replaces alanine, which is neutral and non-polar, with threonine, which is neutral and polar, at codon 446 of the GEMIN4 protein (p.Ala446Thr).

PreventionGenetics, part of Exact Sciences
Classification: Likely benign for GEMIN4-related condition. Last evaluated: 2022-06-12. Review status: no assertion criteria provided. Collection method: clinical testing. Allele origin: germline. Not counted in ClinVar's aggregate classification.
Comment: This variant is classified as likely benign based on ACMG/AMP sequence variant interpretation guidelines (Richards et al. 2015 PMID: 25741868, with internal and published modifications).